The following is an entry in ClinVar:

NM_000078.3(CETP):c.1039A>G (p.Lys347Glu)

Gene: CETP (cholesteryl ester transfer protein; plus strand). Cytogenetic location: 16q13.
Variant type: single nucleotide variant.
Coding change: c.1039A>G on transcript NM_000078.3 (MANE Select); coding-DNA position 1039, A replaced by G.
Protein change: p.Lys347Glu; replaces lysine 347 with glutamic acid.
Molecular consequence: missense variant.
Genome position (GRCh38, 1-based): chr16:56,978,148, A>G. VCF-style: chr16-56978148-A-G. GRCh37 (hg19) VCF-style: chr16-57012060-A-G.
Other names: p.Lys347Glu; c.859A>G, p.Lys287Glu (NM_001286085.2); short protein forms K287E, K347E.
Identifiers: ClinVar variation 2371140 (VCV002371140.6), dbSNP rs770547560, ClinGen allele CA8071205.

ClinVar aggregate classification (germline): Uncertain significance. Review status: criteria provided, multiple submitters, no conflicts (2 of 4 stars). 3 submissions from 3 submitters: Uncertain significance (3). Last evaluated 2024-04-16.

Allele frequency attached by ClinVar (database versions not stated): TOPMed 0.00002; ExAC 0.00003; gnomAD exomes 0.00008.
gnomAD v4.1: 121 of 1,614,124 alleles (0.0075%); highest among the groups gnomAD compares: Non-Finnish European, 0.0094%; no homozygotes.

Submissions (3):

Mayo Clinic Laboratories, Mayo Clinic
Classification: Uncertain significance. Last evaluated: 2024-04-16. Review status: criteria provided, single submitter. Criteria: ACMG Guidelines, 2015. Collection method: clinical testing. Allele origin: germline. Observed: 1 variant allele.
Comment: BP4

Labcorp Genetics (formerly Invitae), Labcorp
Classification: Uncertain significance. Last evaluated: 2023-03-27. Review status: criteria provided, single submitter. Criteria: Invitae Variant Classification Sherloc (09022015). Collection method: clinical testing. Allele origin: germline.
Comment: This sequence change replaces lysine, which is basic and polar, with glutamic acid, which is acidic and polar, at codon 347 of the CETP protein (p.Lys347Glu). In summary, the available evidence is currently insufficient to determine the role of this variant in disease. Therefore, it has been classified as a Variant of Uncertain Significance. Advanced modeling of protein sequence and biophysical properties (such as structural, functional, and spatial information, amino acid conservation, physicochemical variation, residue mobility, and thermodynamic stability) performed at Invitae indicates that this missense variant is not expected to disrupt CETP protein function. ClinVar contains an entry for this variant (Variation ID: 2371140). This variant has not been reported in the literature in individuals affected with CETP-related conditions. This variant is present in population databases (rs770547560, gnomAD 0.008%).

Ambry Genetics
Classification: Uncertain significance. Last evaluated: 2022-01-18. Review status: criteria provided, single submitter. Criteria: Ambry Variant Classification Scheme 2023. Collection method: clinical testing. Allele origin: germline.